The following is an entry in ClinVar:

NM_032043.3(BRIP1):c.37dup (p.Val13fs)

Gene: BRIP1 (BRCA1 interacting DNA helicase 1; minus strand). Cytogenetic location: 17q23.2.
Variant type: Duplication.
Coding change: c.37dup on transcript NM_032043.3 (MANE Select); coding-DNA position 37, one base duplicated (G; older notation c.37dupG).
Protein change: p.Val13fs; shifts the reading frame from valine 13.
Molecular consequence: frameshift variant.
Genome position (GRCh38, 1-based): chr17:61,861,503, C duplicated on the plus strand (G on the coding strand, the reverse complement: BRIP1 is on the minus strand); the first of 4 consecutive C bases (chr17:61,861,503-61,861,506); duplicating any one gives the same sequence. VCF-style (leftmost placement, unchanged base first): chr17-61861502-A-AC. GRCh37 (hg19) VCF-style: chr17-59938863-A-AC.
Other names: short protein forms V13fs.
Identifiers: ClinVar variation 2674573 (VCV002674573.1), dbSNP rs2545480911, ClinGen allele CA2695200318.
Genomic context (GRCh38, chr17:61,861,502, plus strand): 5'-CTTACAGAATTCATCATAGCAAGCTGTGACGGGTAAGCTTTATAAGGAAAGTAAATCTTC[A>AC]CCCCACCAATTGTATATTCAGACCACATTGAAGACATAGTGCTTTCCTGTTTATTTCAGA-3'

ClinVar aggregate classification (germline): Pathogenic (1 of 4 stars; one submission).

Conditions:
Familial cancer of breast. Also called: Hereditary breast cancer; BREAST CANCER, FAMILIAL; hereditary breast carcinoma. Identifiers: Orphanet 227535, MedGen C0346153, MONDO:0016419, OMIM 114480. Disease mechanism: loss of function.

Submission:

Myriad Genetics, Inc.
Classification: Pathogenic for Familial cancer of breast. Last evaluated: 2023-08-22. Review status: criteria provided, single submitter. Criteria: Myriad Autosomal Dominant, Autosomal Recessive and X-Linked Classification Criteria (2023). Collection method: clinical testing. Allele origin: unknown.
Comment: This variant is considered pathogenic. This variant creates a frameshift predicted to result in premature protein truncation.